The following is an entry in ClinVar:

NM_000069.3(CACNA1S):c.5526G>A (p.Met1842Ile)

Gene: CACNA1S (calcium voltage-gated channel subunit alpha1 S; minus strand). Cytogenetic location: 1q32.1.
Variant type: single nucleotide variant.
Coding change: c.5526G>A on transcript NM_000069.3 (MANE Select); coding-DNA position 5526, G replaced by A.
Protein change: p.Met1842Ile; replaces methionine 1842 with isoleucine.
Molecular consequence: missense variant.
Genome position (GRCh38, 1-based): chr1:201,039,927, C>T on the plus strand (G>A on the coding strand, the complement: CACNA1S is on the minus strand). VCF-style: chr1-201039927-C-T. GRCh37 (hg19) VCF-style: chr1-201009055-C-T.
Other names: c.5526G>A (NM_000069.2); short protein forms M1842I.
Identifiers: ClinVar variation 1369216 (VCV001369216.11), dbSNP rs374294701, ClinGen allele CA083892.

ClinVar aggregate classification (germline): Uncertain significance. Review status: criteria provided, multiple submitters, no conflicts (2 of 4 stars). 8 submissions from 5 submitters: Uncertain significance (8). Last evaluated 2025-10-06.

Conditions:
Congenital myopathy 18. Also called: DIHYDROPYRIDINE RECEPTOR CONGENITAL MYOPATHY; DHPR CONGENITAL MYOPATHY; Myopathy, congenital, due to dihydropyridine receptor defect. Identifiers: MedGen C5830283, MONDO:0859514, OMIM 620246.
Thyrotoxic periodic paralysis, susceptibility to, 1 (TTPP1). Identifiers: Orphanet 79102, MedGen C2749982, MONDO:0008570, OMIM 188580.
Malignant hyperthermia, susceptibility to, 5 (MHS5). Also called: CACNA1S-Related Malignant Hyperthermia Susceptibility. Identifiers: Orphanet 423, MedGen C1866077, MONDO:0011163, OMIM 601887.
Hypokalemic periodic paralysis, type 1. Also called: HypoPP; Hypokalemic Periodic Paralysis Type 1 (AD). Identifiers: Orphanet 681, MedGen C3714580, MONDO:0042979, OMIM 170400.

Allele frequency attached by ClinVar (database versions not stated): ExAC 0.00001; gnomAD exomes 0.00001; TOPMed 0.00002; gnomAD 0.00003; ESP Exome Variant Server 0.00015.

Submissions (8):

Labcorp Genetics (formerly Invitae), Labcorp
Classification: Uncertain significance for Hypokalemic periodic paralysis, type 1; Malignant hyperthermia, susceptibility to, 5. Last evaluated: 2025-10-06. Review status: criteria provided, single submitter. Criteria: Invitae Variant Classification Sherloc (09022015). Collection method: clinical testing. Allele origin: germline.
Comment: This sequence change replaces methionine, which is neutral and non-polar, with isoleucine, which is neutral and non-polar, at codon 1842 of the CACNA1S protein (p.Met1842Ile). This variant is present in population databases (rs374294701, gnomAD 0.004%). This variant has not been reported in the literature in individuals affected with CACNA1S-related conditions. ClinVar contains an entry for this variant (Variation ID: 1369216). Invitae Evidence Modeling of protein sequence and biophysical properties (such as structural, functional, and spatial information, amino acid conservation, physicochemical variation, residue mobility, and thermodynamic stability) indicates that this missense variant is not expected to disrupt CACNA1S protein function with a negative predictive value of 95%. In summary, the available evidence is currently insufficient to determine the role of this variant in disease. Therefore, it has been classified as a Variant of Uncertain Significance.

Color Diagnostics, LLC DBA Color Health
Classification: Uncertain significance for Malignant hyperthermia, susceptibility to, 5. Last evaluated: 2025-07-08. Review status: criteria provided, single submitter. Criteria: ACMG Guidelines, 2015. Collection method: clinical testing. Allele origin: germline.
Comment: This missense variant replaces methionine with isoleucine at codon 1842 of the CACNA1S protein. Computational prediction suggests that this variant may not impact protein structure and function. To our knowledge, functional studies have not been reported for this variant. This variant has not been reported in individuals affected with CACNA1S-related disorders in the literature. This variant has been identified in 4/282698 chromosomes in the general population by the Genome Aggregation Database (gnomAD). The available evidence is insufficient to determine the role of this variant in disease conclusively. Therefore, this variant is classified as a Variant of Uncertain Significance.

All of Us Research Program, National Institutes of Health
Classification: Uncertain significance for Malignant hyperthermia, susceptibility to, 5. Last evaluated: 2023-12-01. Review status: criteria provided, single submitter. Criteria: ACMG Guidelines, 2015. Collection method: clinical testing. Allele origin: germline. Inheritance: Autosomal dominant inheritance. Observed: 3 variant alleles, 3 heterozygotes.
Comment: This missense variant replaces methionine with isoleucine at codon 1842 of the CACNA1S protein. Computational prediction suggests that this variant may not impact protein structure and function (internally defined REVEL score threshold <= 0.5, PMID: 27666373). To our knowledge, functional studies have not been reported for this variant. This variant has not been reported in individuals affected with CACNA1S-related disorders in the literature. This variant has been identified in 4/282698 chromosomes in the general population by the Genome Aggregation Database (gnomAD). The available evidence is insufficient to determine the role of this variant in disease conclusively. Therefore, this variant is classified as a Variant of Uncertain Significance.

This study involves interpretation of variants in research participants for the purpose of population health screening. Participant phenotype was not available at the time of variant classification. Additional details can be found in publication PMID: 35346344, PMCID: PMC8962531

Genome-Nilou Lab
Classification: Uncertain significance for Malignant hyperthermia, susceptibility to, 5. Last evaluated: 2023-04-11. Review status: criteria provided, single submitter. Criteria: ACMG Guidelines, 2015. Collection method: clinical testing. Allele origin: germline. Affected: no.

Genome-Nilou Lab
Classification: Uncertain significance for Thyrotoxic periodic paralysis, susceptibility to, 1. Last evaluated: 2023-04-11. Review status: criteria provided, single submitter. Criteria: ACMG Guidelines, 2015. Collection method: clinical testing. Allele origin: germline. Affected: no.

Genome-Nilou Lab
Classification: Uncertain significance for Congenital myopathy 18. Last evaluated: 2023-04-11. Review status: criteria provided, single submitter. Criteria: ACMG Guidelines, 2015. Collection method: clinical testing. Allele origin: germline. Affected: no.

Genome-Nilou Lab
Classification: Uncertain significance for Hypokalemic periodic paralysis, type 1. Last evaluated: 2023-04-11. Review status: criteria provided, single submitter. Criteria: ACMG Guidelines, 2015. Collection method: clinical testing. Allele origin: germline. Affected: no.

GeneDx
Classification: Uncertain significance. Last evaluated: 2022-09-15. Review status: criteria provided, single submitter. Criteria: GeneDx Variant Classification Process June 2021. Collection method: clinical testing. Allele origin: germline. Affected: yes.
Comment: Not observed at significant frequency in large population cohorts (gnomAD); In silico analysis supports that this missense variant does not alter protein structure/function; Has not been previously published as pathogenic or benign to our knowledge